The following is an entry in ClinVar:

NM_001868.4(CPA1):c.317C>T (p.Ala106Val)

Gene: CPA1 (carboxypeptidase A1; plus strand). Cytogenetic location: 7q32.2.
Variant type: single nucleotide variant.
Coding change: c.317C>T on transcript NM_001868.4 (MANE Select); coding-DNA position 317, C replaced by T.
Protein change: p.Ala106Val; replaces alanine 106 with valine.
Molecular consequence: missense variant.
Genome position (GRCh38, 1-based): chr7:130,381,799, C>T. VCF-style: chr7-130381799-C-T. GRCh37 (hg19) VCF-style: chr7-130021640-C-T.
Other names: short protein forms A106V.
Identifiers: ClinVar variation 1728514 (VCV001728514.2), dbSNP rs2536005426, ClinGen allele CA369280340.

ClinVar aggregate classification (germline): Uncertain significance (1 of 4 stars; one submission).

Conditions:
Hereditary pancreatitis (PCTT). Also called: Hereditary chronic pancreatitis; PRSS1-Related Hereditary Pancreatitis. Identifiers: Orphanet 676, MedGen C0238339, MONDO:0008185, OMIM 167800.

Submission:

Ambry Genetics
Classification: Uncertain significance for Hereditary pancreatitis. Last evaluated: 2022-04-11. Review status: criteria provided, single submitter. Criteria: Ambry Variant Classification Scheme 2023. Collection method: clinical testing. Allele origin: germline.
Comment: The p.A106V variant (also known as c.317C>T), located in coding exon 3 of the CPA1 gene, results from a C to T substitution at nucleotide position 317. The alanine at codon 106 is replaced by valine, an amino acid with similar properties. This amino acid position is conserved. In addition, this alteration is predicted to be tolerated by in silico analysis. Since supporting evidence is limited at this time, the clinical significance of this alteration remains unclear.